The following is an entry in ClinVar:

ClinVar aggregate classification (germline): Likely pathogenic (1 of 4 stars; one submission).

Conditions:
Hermansky-Pudlak syndrome (HPS). Also called: ALBINISM WITH HEMORRHAGIC DIATHESIS AND PIGMENTED RETICULOENDOTHELIAL CELLS. Identifiers: Orphanet 79430, MedGen C0079504, MONDO:0019312.

Submission:

Natera, Inc.
Classification: Likely pathogenic for Hermansky-Pudlak syndrome. Last evaluated: 2024-04-17. Review status: criteria provided, single submitter. Criteria: Natera Variant Classification Schema (03/2026). Collection method: clinical testing. Allele origin: germline.
Comment: The c.264_268delACGTGinsTTGTTTTTCTCCAGTT variant in HPS3 is a frameshift variant predicted to shift the reading frame beginning at codon 89 and leads to a stop codon 8 codons downstream. This variant is expected to result in nonsense mediated decay, truncation, or a dysfunctional protein product. This variant is rare in the general population with a frequency below the threshold expected for the associated phenotype(s). Given the available evidence, this variant is classified as Likely Pathogenic.

NM_032383.5(HPS3):c.264_268delinsTTGTTTTTCTCCAGTT (p.Arg89fs)

Gene: HPS3 (HPS3 biogenesis of lysosomal organelles complex 2 subunit 1; plus strand). Cytogenetic location: 3q24.
Variant type: Indel.
Coding change: c.264_268delinsTTGTTTTTCTCCAGTT on transcript NM_032383.5 (MANE Select); coding-DNA positions 264 to 268, ACGTG replaced by TTGTTTTTCTCCAGTT.
Protein change: p.Arg89fs; shifts the reading frame from arginine 89.
Molecular consequence: frameshift variant. On other transcripts: intron variant (1).
Genome position (GRCh38, 1-based): chr3:149,140,050-149,140,054, ACGTG replaced by TTGTTTTTCTCCAGTT. VCF-style: chr3-149140050-ACGTG-TTGTTTTTCTCCAGTT. GRCh37 (hg19) VCF-style: chr3-148857837-ACGTG-TTGTTTTTCTCCAGTT.
Other names: c.218-967_218-963delinsTTGTTTTTCTCCAGTT (NM_001308258.2); short protein forms R89fs.
Identifiers: ClinVar variation 4816325 (VCV004816325.1).
Genomic context (GRCh38, chr3:149,140,050, plus strand): 5'-TCATTCCTTCTCAGGAGATTATTTGGTAGCAATTGAAGAGAAAAACAAAGCTACATTTCT[ACGTG>TTGTTTTTCTCCAGTT]CTTATGTGAACTGGAGAAATAAAAGGACTGAAAACTCTCGTGTGTGTATCCGAATGATTG-3'